The following is an entry in ClinVar:

ClinVar aggregate classification (germline): Uncertain significance (1 of 4 stars; one submission).

Conditions:
Cornelia de Lange syndrome 1 (CDLS1). Also called: Brachmann de Lange syndrome; NIPBL-Related Cornelia de Lange Syndrome; TYPUS DEGENERATIVUS AMSTELODAMENSIS. Identifiers: Orphanet 199, MedGen C4551851, MONDO:0007387, OMIM 122470.

Submission:

Labcorp Genetics (formerly Invitae), Labcorp
Classification: Uncertain significance for Cornelia de Lange syndrome 1. Last evaluated: 2024-07-22. Review status: criteria provided, single submitter. Criteria: Invitae Variant Classification Sherloc (09022015). Collection method: clinical testing. Allele origin: germline.
Comment: This sequence change falls in intron 33 of the NIPBL gene. It does not directly change the encoded amino acid sequence of the NIPBL protein. This variant is not present in population databases (gnomAD no frequency). This variant has not been reported in the literature in individuals affected with NIPBL-related conditions. Algorithms developed to predict the effect of sequence changes on RNA splicing suggest that this variant may disrupt the consensus splice site. In summary, the available evidence is currently insufficient to determine the role of this variant in disease. Therefore, it has been classified as a Variant of Uncertain Significance.

NM_133433.4(NIPBL):c.5972-25_5972-13del

Gene: NIPBL (NIPBL cohesin loading factor; plus strand). Cytogenetic location: 5p13.2.
Variant type: Deletion.
Coding change: c.5972-25_5972-13del on transcript NM_133433.4 (MANE Select); 25 bases into the intron before coding-DNA position 5972 through 13 bases into the intron before coding-DNA position 5972, 13 bases deleted (CTTATTTCTCTGT).
Molecular consequence: intron variant.
Genome position (GRCh38, 1-based): chr5:37,038,577-37,038,589, CTTATTTCTCTGT deleted; deleting any 13 consecutive bases within chr5:37,038,574-37,038,589 gives the same sequence; the c. name uses the placement nearest the transcript's 3' end. VCF-style (leftmost placement, unchanged base first): chr5-37038573-GTGTCTTATTTCTC-G. GRCh37 (hg19) VCF-style: chr5-37038675-GTGTCTTATTTCTC-G.
Other names: c.5972-25_5972-13del (NM_015384.5).
Identifiers: ClinVar variation 3660176 (VCV003660176.2).